The following is an entry in ClinVar:

ClinVar aggregate classification (germline): Pathogenic/Likely pathogenic. Review status: criteria provided, multiple submitters, no conflicts (2 of 4 stars). 2 submissions from 2 submitters: Pathogenic (1); Likely pathogenic (1). Last evaluated 2025-03-17.

Conditions:
PDE6A-related disorder. Also called: PDE6A-related condition.

Allele frequency attached by ClinVar (database versions not stated): gnomAD exomes below 0.00001; TOPMed below 0.00001; ExAC 0.00002.
gnomAD v4.1: 7 of 1,611,932 alleles (0.00043%); highest among the groups gnomAD compares: Non-Finnish European, 0.00051%; no homozygotes.

Submissions (2):

Labcorp Genetics (formerly Invitae), Labcorp
Classification: Pathogenic. Last evaluated: 2025-03-17. Review status: criteria provided, single submitter. Criteria: Invitae Variant Classification Sherloc (09022015). Collection method: clinical testing. Allele origin: germline.
Comment: This sequence change affects a donor splice site in intron 20 of the PDE6A gene. It is expected to disrupt RNA splicing. Variants that disrupt the donor or acceptor splice site typically lead to a loss of protein function (PMID: 16199547), and loss-of-function variants in PDE6A are known to be pathogenic (PMID: 7493036, 22128245, 23847139). This variant is present in population databases (no rsID available, gnomAD 0.004%). Disruption of this splice site has been observed in individual(s) with retinitis pigmentosa (PMID: 33576794). In at least one individual the data is consistent with being in trans (on the opposite chromosome) from a pathogenic variant. ClinVar contains an entry for this variant (Variation ID: 2997175). Algorithms developed to predict the effect of sequence changes on RNA splicing suggest that this variant may disrupt the consensus splice site. For these reasons, this variant has been classified as Pathogenic.

Blueprint Genetics
Classification: Likely pathogenic for PDE6A-related disorders. Last evaluated: 2023-11-14. Review status: criteria provided, single submitter. Criteria: ACMG Guidelines, 2015. Collection method: clinical testing. Allele origin: germline. Affected: yes. Observed: 2 variant alleles.

Literature cited by the submitters: PubMed 16199547 (cited by Labcorp Genetics (formerly Invitae), Labcorp); PubMed 7493036 (cited by Labcorp Genetics (formerly Invitae), Labcorp); PubMed 22128245 (cited by Labcorp Genetics (formerly Invitae), Labcorp); PubMed 23847139 (cited by Labcorp Genetics (formerly Invitae), Labcorp); PubMed 33576794 (cited by Labcorp Genetics (formerly Invitae), Labcorp).

NM_000440.3(PDE6A):c.2358+1G>A

Gene: PDE6A (phosphodiesterase 6A; minus strand). Cytogenetic location: 5q32.
Variant type: single nucleotide variant.
Coding change: c.2358+1G>A on transcript NM_000440.3 (MANE Select); the canonical splice donor site of the intron after coding-DNA position 2358, G replaced by A.
Molecular consequence: splice donor variant.
Genome position (GRCh38, 1-based): chr5:149,866,169, C>T on the plus strand (G>A on the coding strand, the complement: PDE6A is on the minus strand). VCF-style: chr5-149866169-C-T. GRCh37 (hg19) VCF-style: chr5-149245732-C-T.
Other names: c.2115+1G>A (NM_001410788.1).
Identifiers: ClinVar variation 2997175 (VCV002997175.4), dbSNP rs1333137167, ClinGen allele CA3504316.